The following is an entry in ClinVar:

ClinVar aggregate classification (germline): Benign. Review status: criteria provided, single submitter (1 of 4 stars). 2 submissions from 2 submitters: Benign (1). 1 of the submissions does not count toward it. Last evaluated 2024-04-27.

Conditions:
UBA1-related disorder. Also called: UBA1-related condition.
Infantile-onset X-linked spinal muscular atrophy. Also called: ARTHROGRYPOSIS, X-LINKED, TYPE I; Spinal muscular atrophy, X-linked 2; Spinal Muscular Atrophy, X-Linked Infantile; SPINAL MUSCULAR ATROPHY, X-LINKED LETHAL INFANTILE; AMC, DISTAL, X-LINKED. Identifiers: Orphanet 1145, MedGen C1844934, MONDO:0010532, OMIM 301830.

Allele frequency attached by ClinVar (database versions not stated): gnomAD exomes 0.00001; gnomAD 0.00006; TOPMed 0.00009.

Submissions (2):

Labcorp Genetics (formerly Invitae), Labcorp
Classification: Benign for Infantile-onset X-linked spinal muscular atrophy. Last evaluated: 2024-04-27. Review status: criteria provided, single submitter. Criteria: Invitae Variant Classification Sherloc (09022015). Collection method: clinical testing. Allele origin: germline.

PreventionGenetics, part of Exact Sciences
Classification: Likely benign for UBA1-related condition. Last evaluated: 2020-08-01. Review status: no assertion criteria provided. Collection method: clinical testing. Allele origin: germline. Not counted in ClinVar's aggregate classification.
Comment: This variant is classified as likely benign based on ACMG/AMP sequence variant interpretation guidelines (Richards et al. 2015 PMID: 25741868, with internal and published modifications).

NM_003334.4(UBA1):c.2646+3G>A

Gene: UBA1 (ubiquitin like modifier activating enzyme 1; plus strand). Cytogenetic location: Xp11.3.
Variant type: single nucleotide variant.
Coding change: c.2646+3G>A on transcript NM_003334.4 (MANE Select); 3 bases into the intron after coding-DNA position 2646, G replaced by A.
Molecular consequence: intron variant.
Genome position (GRCh38, 1-based): chrX:47,212,866, G>A. VCF-style: chrX-47212866-G-A. GRCh37 (hg19) VCF-style: chrX-47072265-G-A.
Other names: c.2646+3G>A (NM_153280.3).
Identifiers: ClinVar variation 3036997 (VCV003036997.4), dbSNP rs1214739557, ClinGen allele CA641486409.